The following is an entry in ClinVar:

NM_001003699.4(RREB1):c.3842C>T (p.Ala1281Val)

Gene: RREB1 (ras responsive element binding protein 1; plus strand). Cytogenetic location: 6p24.3.
Variant type: single nucleotide variant.
Coding change: c.3842C>T on transcript NM_001003699.4 (MANE Select); coding-DNA position 3842, C replaced by T.
Protein change: p.Ala1281Val; replaces alanine 1281 with valine.
Molecular consequence: missense variant. On other transcripts: intron variant (2).
Genome position (GRCh38, 1-based): chr6:7,240,471, C>T. VCF-style: chr6-7240471-C-T. GRCh37 (hg19) VCF-style: chr6-7240704-C-T.
Other names: c.3842C>T, p.Ala1281Val (NM_001003700.2); c.3809-5953C>T (NM_001168344.2, NM_001003698.4); short protein forms A1281V.
Identifiers: ClinVar variation 4991323 (VCV004991323.1).

ClinVar aggregate classification (germline): Uncertain significance (1 of 4 stars; one submission).

Conditions:
RREB1-related disorder. Also called: RREB1-related condition.

Submission:

PreventionGenetics, part of Exact Sciences
Classification: Uncertain significance for RREB1-related condition. Last evaluated: 2026-02-09. Review status: criteria provided, single submitter. Criteria: ACMG Guidelines, 2015. Collection method: clinical testing. Allele origin: germline.
Comment: The RREB1 c.3842C>T variant is predicted to result in the amino acid substitution p.Ala1281Val. To our knowledge, this variant has not been reported in the literature or in a large population database (gnomAD), indicating this variant is rare. At this time, the clinical significance of this variant is uncertain due to the absence of conclusive functional and genetic evidence.